The following is an entry in ClinVar:

ClinVar aggregate classification (germline): Pathogenic (1 of 4 stars; one submission).

Conditions:
Hereditary cancer-predisposing syndrome. Also called: Neoplastic Syndromes, Hereditary; Tumor predisposition; Hereditary neoplastic syndrome; Hereditary Cancer Syndrome. Identifiers: Orphanet 140162, MedGen C0027672, MeSH D009386, MONDO:0015356.

Submission:

Ambry Genetics
Classification: Pathogenic for Hereditary cancer-predisposing syndrome. Last evaluated: 2026-08-21. Review status: criteria provided, single submitter. Criteria: Ambry Variant Classification Scheme 2023. Collection method: clinical testing. Allele origin: germline.
Comment: The c.1592delT pathogenic mutation, located in coding exon 17 of the RB1 gene, results from a deletion of one nucleotide at nucleotide position 1592, causing a translational frameshift with a predicted alternate stop codon (p.V531Gfs*12). This variant is considered to be rare based on population cohorts in the Genome Aggregation Database (gnomAD). This alteration is expected to result in loss of function by premature protein truncation or nonsense-mediated mRNA decay. As such, this alteration is interpreted as a disease-causing mutation.

NM_000321.3(RB1):c.1592del (p.Val531fs)

Gene: RB1 (RB transcriptional corepressor 1; plus strand). Cytogenetic location: 13q14.2.
Variant type: Deletion.
Coding change: c.1592del on transcript NM_000321.3 (MANE Select); coding-DNA position 1592, one base deleted (T; older notation c.1592delT).
Protein change: p.Val531fs; shifts the reading frame from valine 531.
Molecular consequence: frameshift variant.
Genome position (GRCh38, 1-based): chr13:48,381,340, T deleted. VCF-style (leftmost placement, unchanged base first): chr13-48381339-GT-G. GRCh37 (hg19) VCF-style: chr13-48955475-GT-G.
Other names: c.1592del, p.Val531fs (NM_001407165.1, NM_001407166.1); short protein forms V531fs.
Identifiers: ClinVar variation 5027985 (VCV005027985.1).